The following is an entry in ClinVar:

ClinVar aggregate classification (germline): Benign/Likely benign. Review status: criteria provided, multiple submitters, no conflicts (2 of 4 stars). 3 submissions from 3 submitters: Benign (1); Likely benign (2). Last evaluated 2026-09-01.

gnomAD v4.1: 1 of 1,606,774 alleles (0.000062%); highest among the groups gnomAD compares: South Asian, 0.0011%; no homozygotes.

Submissions (3):

CeGaT Center for Human Genetics Tuebingen
Classification: Likely benign. Last evaluated: 2026-09-01. Review status: criteria provided, single submitter. Criteria: CeGaT Center For Human Genetics Tuebingen Variant Classification Criteria Version 2. Collection method: clinical testing. Allele origin: germline. Affected: yes. Observed: 2 variant alleles.
Comment: TTN: BP4, BP7

Molecular Diagnostic Laboratory for Inherited Cardiovascular Disease, Montreal Heart Institute
Classification: Benign. Last evaluated: 2025-04-09. Review status: criteria provided, single submitter. Criteria: ACMG Guidelines, 2015. Collection method: clinical testing. Allele origin: germline. Affected: no.

Blueprint Genetics
Classification: Likely benign. Last evaluated: 2023-11-13. Review status: criteria provided, single submitter. Criteria: ACMG Guidelines, 2015. Collection method: clinical testing. Allele origin: germline.

NM_001267550.2(TTN):c.11312-5260C>T

Gene: TTN (titin; minus strand). Cytogenetic location: 2q31.2.
Variant type: single nucleotide variant.
Coding change: c.11312-5260C>T on transcript NM_001267550.2 (MANE Select); 5260 bases into the intron before coding-DNA position 11312, C replaced by T.
Molecular consequence: intron variant. On other transcripts: synonymous variant (1).
Genome position (GRCh38, 1-based): chr2:178,747,181, G>A on the plus strand (C>T on the coding strand, the complement: TTN is on the minus strand). VCF-style: chr2-178747181-G-A. GRCh37 (hg19) VCF-style: chr2-179611908-G-A.
Other names: c.15219C>T, p.Tyr5073= (NM_133379.5); c.10223-5260C>T (NM_003319.4); c.10799-5260C>T (NM_133437.4); c.10598-5260C>T (NM_133432.3); c.10360+5943C>T (NM_133378.4); c.10361-5260C>T (NM_001256850.1).
Identifiers: ClinVar variation 3894649 (VCV003894649.3), dbSNP rs61233923.
Genomic context (GRCh38, chr2:178,747,181, plus strand): 5'-CTCCAGAGTCTCTCCTGGGGGTGTGGAATATCTCTCTAGAGTCTCTCCTGGGGGTGTGGA[G>A]TATCTCTCTAGAGTCTCTCCTGGAGGTGTGGAGTATCTCTCTAGTGTCTCCCCTGGGGGT-3'